The following is an entry in ClinVar:

NM_003922.4(HERC1):c.14544G>A (p.Ser4848=)

Gene: HERC1 (HECT and RLD domain containing E3 ubiquitin protein ligase family member 1; minus strand). Cytogenetic location: 15q22.31.
Variant type: single nucleotide variant.
Coding change: c.14544G>A on transcript NM_003922.4 (MANE Select); coding-DNA position 14544, G replaced by A.
Protein change: p.Ser4848=; no amino-acid change (serine 4848 retained).
Molecular consequence: synonymous variant.
Genome position (GRCh38, 1-based): chr15:63,609,123, C>T on the plus strand (G>A on the coding strand, the complement: HERC1 is on the minus strand). VCF-style: chr15-63609123-C-T. GRCh37 (hg19) VCF-style: chr15-63901322-C-T.
Identifiers: ClinVar variation 3905020 (VCV003905020.10).
Genomic context (GRCh38, chr15:63,609,123, plus strand): 5'-GTGAGAGCACCCGCACGGTCAGTAGTCAGTGTCGGAGCCCTCGGCGTTGTCCACGTTTCT[C>T]GAGAGCATGTAGTTGTCCATGTCGATTGAGCGGCAGTTGTTGATGGCATAGCGCAGGCGC-3'
Protein context (NP_003913.3, residues 4838-4858): RSIDMDNYML[Ser4848=]RNVDNAEGSD

ClinVar aggregate classification (germline): Likely benign (1 of 4 stars; one submission).

gnomAD v4.1: 12 of 1,613,774 alleles (0.00074%); highest among the groups gnomAD compares: African/African-American, 0.0027%; no homozygotes.

Submission:

CeGaT Center for Human Genetics Tuebingen
Classification: Likely benign. Last evaluated: 2025-05-01. Review status: criteria provided, single submitter. Criteria: CeGaT Center For Human Genetics Tuebingen Variant Classification Criteria Version 2. Collection method: clinical testing. Allele origin: germline. Affected: yes. Observed: 1 variant allele.
Comment: HERC1: BP4, BP7